The following is an entry in ClinVar:

NM_014845.5(FIG4):c.-182G>A

Gene: FIG4 (FIG4 phosphoinositide 5-phosphatase; plus strand). Cytogenetic location: 6q21.
Variant type: single nucleotide variant.
Coding change: c.-182G>A on transcript NM_014845.5; 182 bases upstream of the start codon, G replaced by A.
Genome position (GRCh38, 1-based): chr6:109,691,254, G>A. VCF-style: chr6-109691254-G-A. GRCh37 (hg19) VCF-style: chr6-110012457-G-A.
Identifiers: ClinVar variation 355024 (VCV000355024.9), dbSNP rs55873083, ClinGen allele CA10622796.

ClinVar aggregate classification (germline): Benign/Likely benign. Review status: criteria provided, multiple submitters, no conflicts (2 of 4 stars). 4 submissions from 3 submitters: Benign (2); Likely benign (2). Last evaluated 2018-06-14.

Conditions:
Amyotrophic lateral sclerosis type 11 (ALS11). Identifiers: Orphanet 803, MedGen C2675491, MONDO:0012945, OMIM 612577.
Charcot-Marie-Tooth disease type 4J (CMT4J). Also called: Charcot-Marie-Tooth Neuropathy Type 4J; CHARCOT-MARIE-TOOTH DISEASE, DEMYELINATING, TYPE 4J; CHARCOT-MARIE-TOOTH DISEASE, AUTOSOMAL RECESSIVE, TYPE 4J. Identifiers: Orphanet 139515, MedGen C1970011, MONDO:0012640, OMIM 611228.

Allele frequency attached by ClinVar (database versions not stated): 1000 Genomes Project 0.00579; 1000 Genomes Project 30x 0.00640; gnomAD 0.01175 and 0.01220; TOPMed 0.01204; gnomAD exomes 0.01416.

Submissions (4):

GeneDx
Classification: Likely benign. Last evaluated: 2018-06-14. Review status: criteria provided, single submitter. Criteria: GeneDx Variant Classification (06012015). Collection method: clinical testing. Allele origin: germline. Affected: yes.
Comment: This variant is considered likely benign or benign based on one or more of the following criteria: it is a conservative change, it occurs at a poorly conserved position in the protein, it is predicted to be benign by multiple in silico algorithms, and/or has population frequency not consistent with disease.

Illumina Laboratory Services, Illumina
Classification: Benign for Amyotrophic lateral sclerosis type 11. Last evaluated: 2018-01-13. Review status: criteria provided, single submitter. Criteria: ICSL Variant Classification Criteria 13 December 2019. Collection method: clinical testing. Allele origin: germline.
Comment: This variant was observed in the ICSL laboratory as part of a predisposition screen in an ostensibly healthy population. It had not been previously curated by ICSL or reported in the Human Gene Mutation Database (HGMD: prior to June 1st, 2018), and was therefore a candidate for classification through an automated scoring system. Utilizing variant allele frequency, disease prevalence and penetrance estimates, and inheritance mode, an automated score was calculated to assess if this variant is too frequent to cause the disease. Based on the score and internal cut-off values, a variant classified as benign is not then subjected to further curation. The score for this variant resulted in a classification of benign for this disease.

Illumina Laboratory Services, Illumina
Classification: Benign for Charcot-Marie-Tooth disease type 4J. Last evaluated: 2018-01-13. Review status: criteria provided, single submitter. Criteria: ICSL Variant Classification Criteria 13 December 2019. Collection method: clinical testing. Allele origin: germline.
Comment: the same text as in the submission from Illumina Laboratory Services, Illumina above.

Breakthrough Genomics
Classification: Likely benign. Review status: criteria provided, single submitter. Criteria: ACMG Guidelines, 2015. Collection method: not provided. Allele origin: germline. Inheritance: Autosomal recessive inheritance. Affected: yes.